The following is an entry in ClinVar:

NM_018975.4(TERF2IP):c.534G>C (p.Gln178His)

Gene: TERF2IP (TERF2 interacting protein; plus strand). Cytogenetic location: 16q23.1.
Variant type: single nucleotide variant.
Coding change: c.534G>C on transcript NM_018975.4 (MANE Select); coding-DNA position 534, G replaced by C.
Protein change: p.Gln178His; replaces glutamine 178 with histidine.
Molecular consequence: missense variant. On other transcripts: non-coding transcript variant (1).
Genome position (GRCh38, 1-based): chr16:75,648,416, G>C. VCF-style: chr16-75648416-G-C. GRCh37 (hg19) VCF-style: chr16-75682314-G-C.
Other names: short protein forms Q178H.
Identifiers: ClinVar variation 5041809 (VCV005041809.1).

ClinVar aggregate classification (germline): Uncertain significance (1 of 4 stars; one submission).

gnomAD v4.1: 1 of 1,606,746 alleles (0.000062%); highest among the groups gnomAD compares: South Asian, 0.0011%; no homozygotes.

Submission:

CeGaT Center for Human Genetics Tuebingen
Classification: Uncertain significance. Last evaluated: 2026-09-01. Review status: criteria provided, single submitter. Criteria: CeGaT Center For Human Genetics Tuebingen Variant Classification Criteria Version 2. Collection method: clinical testing. Allele origin: germline. Affected: yes. Observed: 1 variant allele.
Comment: TERF2IP: PM2, BP4